The following is an entry in ClinVar:

NM_001130173.2(MYB):c.1892G>A (p.Gly631Glu)

Gene: MYB (MYB proto-oncogene, transcription factor; plus strand). Cytogenetic location: 6q23.3.
Variant type: single nucleotide variant.
Coding change: c.1892G>A on transcript NM_001130173.2 (MANE Select); coding-DNA position 1892, G replaced by A.
Protein change: p.Gly631Glu; replaces glycine 631 with glutamic acid.
Molecular consequence: missense variant. On other transcripts: non-coding transcript variant (8).
Genome position (GRCh38, 1-based): chr6:135,200,357, G>A. VCF-style: chr6-135200357-G-A. GRCh37 (hg19) VCF-style: chr6-135521495-G-A.
Other names: c.1520G>A, p.Gly507Glu (NM_001130172.2); c.1883G>A, p.Gly628Glu (NM_001161656.2); c.1274G>A, p.Gly425Glu (NM_001161657.2); c.1844G>A, p.Gly615Glu (NM_001161658.2); c.1529G>A, p.Gly510Glu (NM_001161659.2, NM_005375.4); c.1424G>A, p.Gly475Glu (NM_001161660.2); short protein forms G425E, G475E, G507E, G510E, G615E, G628E, G631E.
Identifiers: ClinVar variation 3052166 (VCV003052166.2), dbSNP rs113182184, ClinGen allele CA4011682.

ClinVar aggregate classification (germline): Likely benign (0 of 4 stars; one submission).

Conditions:
MYB-related disorder. Also called: MYB-related condition.

Allele frequency attached by ClinVar (database versions not stated): ExAC 0.00036; gnomAD 0.00157; TOPMed 0.00176; 1000 Genomes Project 0.00180; 1000 Genomes Project 30x 0.00187; ESP Exome Variant Server 0.00208.

Submission:

PreventionGenetics, part of Exact Sciences
Classification: Likely benign for MYB-related condition. Last evaluated: 2022-08-02. Review status: no assertion criteria provided. Collection method: clinical testing. Allele origin: germline.
Comment: This variant is classified as likely benign based on ACMG/AMP sequence variant interpretation guidelines (Richards et al. 2015 PMID: 25741868, with internal and published modifications).